The following is an entry in ClinVar:

ClinVar aggregate classification (germline): Uncertain significance (1 of 4 stars; one submission).

Conditions:
Absence seizure. Also called: Absence epilepsy. Identifiers: Orphanet 1941, MedGen C0014553.
Myoclonic epilepsy, juvenile, susceptibility to, 1. Also called: Myoclonic Epilepsy, Juvenile, 1; EJM1. Identifiers: MedGen C1850778, MONDO:0020752, OMIM 254770.

Allele frequency attached by ClinVar (database versions not stated): gnomAD exomes below 0.00001 and 0.00001; TOPMed below 0.00001.
gnomAD v4.1: 16 of 1,614,176 alleles (0.00099%); highest among the groups gnomAD compares: Admixed American, 0.0017%; no homozygotes.

Submission:

Labcorp Genetics (formerly Invitae), Labcorp
Classification: Uncertain significance for Myoclonic epilepsy, juvenile, susceptibility to, 1; Absence seizure. Last evaluated: 2020-03-05. Review status: criteria provided, single submitter. Criteria: Invitae Variant Classification Sherloc (09022015). Collection method: clinical testing. Allele origin: germline.
Comment: This variant is not present in population databases (ExAC no frequency). This sequence change replaces arginine with glutamine at codon 536 of the EFHC1 protein (p.Arg536Gln). The arginine residue is moderately conserved and there is a small physicochemical difference between arginine and glutamine. This variant has not been reported in the literature in individuals with EFHC1-related conditions. In summary, the available evidence is currently insufficient to determine the role of this variant in disease. Therefore, it has been classified as a Variant of Uncertain Significance. Algorithms developed to predict the effect of missense changes on protein structure and function output the following: SIFT: "Tolerated"; PolyPhen-2: "Benign"; Align-GVGD: "Class C0". The glutamine amino acid residue is found in multiple mammalian species, suggesting that this missense change does not adversely affect protein function. These predictions have not been confirmed by published functional studies and their clinical significance is uncertain.

NM_018100.4(EFHC1):c.1607G>A (p.Arg536Gln)

Gene: EFHC1 (EF-hand domain containing 1; plus strand). Cytogenetic location: 6p12.2.
Variant type: single nucleotide variant.
Coding change: c.1607G>A on transcript NM_018100.4 (MANE Select); coding-DNA position 1607, G replaced by A.
Protein change: p.Arg536Gln; replaces arginine 536 with glutamine.
Molecular consequence: missense variant. On other transcripts: non-coding transcript variant (1).
Genome position (GRCh38, 1-based): chr6:52,479,754, G>A. VCF-style: chr6-52479754-G-A. GRCh37 (hg19) VCF-style: chr6-52344552-G-A.
Other names: c.1550G>A, p.Arg517Gln (NM_001172420.2); short protein forms R536Q, R517Q.
Identifiers: ClinVar variation 838176 (VCV000838176.49), dbSNP rs867304706, ClinGen allele CA138992937.